The following is an entry in ClinVar:

NM_030948.6(PHACTR1):c.313C>G (p.Pro105Ala)

Gene: PHACTR1 (phosphatase and actin regulator 1; plus strand). Cytogenetic location: 6p24.1.
Variant type: single nucleotide variant.
Coding change: c.313C>G on transcript NM_030948.6 (MANE Select); coding-DNA position 313, C replaced by G.
Protein change: p.Pro105Ala; replaces proline 105 with alanine.
Molecular consequence: missense variant.
Genome position (GRCh38, 1-based): chr6:13,053,427, C>G. VCF-style: chr6-13053427-C-G. GRCh37 (hg19) VCF-style: chr6-13053659-C-G.
Other names: c.313C>G, p.Pro105Ala (NM_001322310.2, NM_001374581.2, NM_001374582.1 and 3 more transcripts); c.37C>G, p.Pro13Ala (NM_001322311.2, NM_001322312.3, NM_001322313.2 and 1 more transcripts); c.316C>G, p.Pro106Ala (NM_001322314.4); short protein forms P105A, P106A, P13A.
Identifiers: ClinVar variation 4854425 (VCV004854425.1).

ClinVar aggregate classification (germline): Uncertain significance (1 of 4 stars; one submission).

Conditions:
Developmental and epileptic encephalopathy, 70. Also called: EPILEPTIC ENCEPHALOPATHY, EARLY INFANTILE, 70. Identifiers: MedGen C4749023, MONDO:0032663, OMIM 618298.

Submission:

3billion
Classification: Uncertain significance for Developmental and epileptic encephalopathy, 70. Last evaluated: 2025-09-19. Review status: criteria provided, single submitter. Criteria: ACMG Guidelines, 2015. Collection method: clinical testing. Allele origin: germline. Affected: yes.
Comment: The variant is not observed in the gnomAD v4.1.0 dataset. Predicted Consequence/Location: Missense variant. Missense changes are a common disease-causing mechanism. In silico tool predictions suggest damaging effect of the variant on gene or gene product [3Cnet: 0.99 (> 0.75, sensitivity 0.96 and precision 0.92)]. Therefore, this variant is classified as VUS according to the recommendation of ACMG/AMP guideline.